The following is an entry in ClinVar:

NM_004260.4(RECQL4):c.3478G>A (p.Val1160Met)

Gene: RECQL4 (RecQ like helicase 4; minus strand). Cytogenetic location: 8q24.3.
Variant type: single nucleotide variant.
Coding change: c.3478G>A on transcript NM_004260.4 (MANE Select); coding-DNA position 3478, G replaced by A.
Protein change: p.Val1160Met; replaces valine 1160 with methionine.
Molecular consequence: missense variant.
Genome position (GRCh38, 1-based): chr8:144,511,705, C>T on the plus strand (G>A on the coding strand, the complement: RECQL4 is on the minus strand). VCF-style: chr8-144511705-C-T. GRCh37 (hg19) VCF-style: chr8-145737088-C-T.
Other names: short protein forms V1160M.
Identifiers: ClinVar variation 1022159 (VCV001022159.5), dbSNP rs1827238382, ClinGen allele CA372666667.

ClinVar aggregate classification (germline): Uncertain significance (1 of 4 stars; one submission).

Conditions:
Baller-Gerold syndrome (BGS). Also called: CRANIOSYNOSTOSIS WITH RADIAL DEFECTS. Identifiers: Orphanet 1225, MedGen C0265308, MONDO:0009039, OMIM 218600.

Submission:

Labcorp Genetics (formerly Invitae), Labcorp
Classification: Uncertain significance for Baller-Gerold syndrome. Last evaluated: 2022-03-19. Review status: criteria provided, single submitter. Criteria: Invitae Variant Classification Sherloc (09022015). Collection method: clinical testing. Allele origin: germline.
Comment: This variant is not present in population databases (gnomAD no frequency). In summary, the available evidence is currently insufficient to determine the role of this variant in disease. Therefore, it has been classified as a Variant of Uncertain Significance. Experimental studies and prediction algorithms are not available or were not evaluated, and the functional significance of this variant is currently unknown. ClinVar contains an entry for this variant (Variation ID: 1022159). This variant has not been reported in the literature in individuals affected with RECQL4-related conditions. This sequence change replaces valine, which is neutral and non-polar, with methionine, which is neutral and non-polar, at codon 1160 of the RECQL4 protein (p.Val1160Met).